The following is an entry in ClinVar:

ClinVar aggregate classification (germline): Uncertain significance (1 of 4 stars; one submission).

Conditions:
Angelman syndrome (AS). Also called: HAPPY PUPPET SYNDROME. Identifiers: Orphanet 72, MedGen C0162635, MONDO:0007113, OMIM 105830. Disease mechanism: loss of function. Inheritance: AS is caused by disruption of maternally imprinted UBE3A located within the 15q11.2-q13 Angelman syndrome/Prader-Willi syndrome (AS/PWS) region., imprinting disorder.

Submission:

Labcorp Genetics (formerly Invitae), Labcorp
Classification: Uncertain significance for Angelman syndrome. Last evaluated: 2021-04-09. Review status: criteria provided, single submitter. Criteria: Invitae Variant Classification Sherloc (09022015). Collection method: clinical testing. Allele origin: germline.
Comment: In summary, the available evidence is currently insufficient to determine the role of this variant in disease. Therefore, it has been classified as a Variant of Uncertain Significance. Algorithms developed to predict the effect of missense changes on protein structure and function are either unavailable or do not agree on the potential impact of this missense change (SIFT: "Not Available"; PolyPhen-2: "Benign"; Align-GVGD: "Not Available"). This sequence change replaces serine with isoleucine at codon 194 of the UBE3A protein (p.Ser194Ile). The serine residue is moderately conserved and there is a large physicochemical difference between serine and isoleucine. This variant is not present in population databases (ExAC no frequency). This variant has not been reported in the literature in individuals with UBE3A-related conditions.

NM_130839.5(UBE3A):c.641G>T (p.Ser214Ile)

Genes: SNHG14 (small nucleolar RNA host gene 14; plus strand), UBE3A (ubiquitin protein ligase E3A; minus strand). Cytogenetic location: 15q11.2.
Variant type: single nucleotide variant.
Coding change: c.641G>T on transcript NM_130839.5 (MANE Select); coding-DNA position 641, G replaced by T.
Protein change: p.Ser214Ile; replaces serine 214 with isoleucine.
Molecular consequence: missense variant. On other transcripts: non-coding transcript variant (1), intron variant (2).
Genome position (GRCh38, 1-based): chr15:25,371,533, C>A on the plus strand (G>T on the coding strand, the complement: UBE3A is on the minus strand). VCF-style: chr15-25371533-C-A. GRCh37 (hg19) VCF-style: chr15-25616680-C-A.
Other names: c.650G>T, p.Ser217Ile (NM_000462.5); c.641G>T, p.Ser214Ile (NM_001354505.1, NM_001354538.2, NM_001354545.2); c.581G>T, p.Ser194Ile (NM_001354506.2, NM_001354507.2, NM_001354508.2 and 17 more transcripts); c.464G>T, p.Ser155Ile (NM_001354546.2); c.301+3932G>T (NM_001354551.2); c.361+3932G>T (NM_001354550.2); short protein forms S155I, S214I, S194I, S217I.
Identifiers: ClinVar variation 1480850 (VCV001480850.6), dbSNP rs2152822939, ClinGen allele CA391355396.